The following is an entry in ClinVar:

ClinVar aggregate classification (germline): Uncertain significance. Review status: criteria provided, multiple submitters, no conflicts (2 of 4 stars). 2 submissions from 2 submitters: Uncertain significance (2). Last evaluated 2026-01-12.

Conditions:
Finnish type amyloidosis. Also called: Lattice corneal dystrophy associated with familial systemic amyloidosis; Meretoja's syndrome; Lattice dystrophy of the cornea with hereditary generalized amyloidosis; Amyloidosis, familial, Finnish type; Meretoja type amyloidosis; Amyloidosis 5. Identifiers: Orphanet 85448, MedGen C1622345, MONDO:0007097, OMIM 105120.

Allele frequency attached by ClinVar (database versions not stated): gnomAD 0.00001; TOPMed 0.00002; gnomAD exomes 0.00003 and 0.00006; ExAC 0.00007.
gnomAD v4.1: 18 of 1,614,056 alleles (0.0011%); highest among the groups gnomAD compares: Admixed American, 0.03%; no homozygotes.

Submissions (2):

Labcorp Genetics (formerly Invitae), Labcorp
Classification: Uncertain significance. Last evaluated: 2026-01-12. Review status: criteria provided, single submitter. Criteria: Invitae Variant Classification Sherloc (09022015). Collection method: clinical testing. Allele origin: germline.
Comment: This sequence change replaces alanine, which is neutral and non-polar, with valine, which is neutral and non-polar, at codon 282 of the GSN protein (p.Ala282Val). This variant is present in population databases (rs754268709, gnomAD 0.05%), and has an allele count higher than expected for a pathogenic variant. This variant has not been reported in the literature in individuals affected with GSN-related conditions. ClinVar contains an entry for this variant (Variation ID: 1354034). Invitae Evidence Modeling of protein sequence and biophysical properties (such as structural, functional, and spatial information, amino acid conservation, physicochemical variation, residue mobility, and thermodynamic stability) indicates that this missense variant is not expected to disrupt GSN protein function with a negative predictive value of 80%. In summary, the available evidence is currently insufficient to determine the role of this variant in disease. Therefore, it has been classified as a Variant of Uncertain Significance.

Fulgent Genetics
Classification: Uncertain significance for Finnish type amyloidosis. Last evaluated: 2022-04-20. Review status: criteria provided, single submitter. Criteria: ACMG Guidelines, 2015. Collection method: clinical testing. Allele origin: unknown.

NM_198252.3(GSN):c.692C>T (p.Ala231Val)

Gene: GSN (gelsolin; plus strand). Cytogenetic location: 9q33.2.
Variant type: single nucleotide variant.
Coding change: c.692C>T on transcript NM_198252.3 (MANE Select); coding-DNA position 692, C replaced by T.
Protein change: p.Ala231Val; replaces alanine 231 with valine.
Molecular consequence: missense variant.
Genome position (GRCh38, 1-based): chr9:121,313,962, C>T. VCF-style: chr9-121313962-C-T. GRCh37 (hg19) VCF-style: chr9-124076240-C-T.
Other names: c.845C>T, p.Ala282Val (NM_000177.5); c.692C>T, p.Ala231Val (NM_001127662.2, NM_001127664.2, NM_001127665.2 and 10 more transcripts); c.800C>T, p.Ala267Val (NM_001127663.2); c.725C>T, p.Ala242Val (NM_001127666.2, NM_001127667.2, NM_001353063.2 and 13 more transcripts); c.743C>T, p.Ala248Val (NM_001258029.2); c.716C>T, p.Ala239Val (NM_001258030.2); c.764C>T, p.Ala255Val (NM_001353076.2); c.38C>T, p.Ala13Val (NM_001353078.2); short protein forms A231V, A239V, A282V, A248V, A255V, A13V, A242V, A267V.
Identifiers: ClinVar variation 1354034 (VCV001354034.7), dbSNP rs754268709, ClinGen allele CA5220997.